The following is an entry in ClinVar:

ClinVar aggregate classification (germline): Likely benign (1 of 4 stars; one submission).

gnomAD v4.1: 11 of 1,613,960 alleles (0.00068%); highest among the groups gnomAD compares: East Asian, 0.0045%; no homozygotes.

Submission:

CeGaT Center for Human Genetics Tuebingen
Classification: Likely benign. Last evaluated: 2026-02-01. Review status: criteria provided, single submitter. Criteria: CeGaT Center For Human Genetics Tuebingen Variant Classification Criteria Version 2. Collection method: clinical testing. Allele origin: germline. Affected: yes. Observed: 1 variant allele.
Comment: HERC2: BP4, BP7

NM_004667.6(HERC2):c.11910C>T (p.Gly3970=)

Gene: HERC2 (HECT and RLD domain containing E3 ubiquitin protein ligase 2; minus strand). Cytogenetic location: 15q13.1.
Variant type: single nucleotide variant.
Coding change: c.11910C>T on transcript NM_004667.6 (MANE Select); coding-DNA position 11910, C replaced by T.
Protein change: p.Gly3970=; no amino-acid change (glycine 3970 retained).
Molecular consequence: synonymous variant.
Genome position (GRCh38, 1-based): chr15:28,141,537, G>A on the plus strand (C>T on the coding strand, the complement: HERC2 is on the minus strand). VCF-style: chr15-28141537-G-A. GRCh37 (hg19) VCF-style: chr15-28386683-G-A.
Identifiers: ClinVar variation 4822373 (VCV004822373.4).
Genomic context (GRCh38, chr15:28,141,537, plus strand): 5'-TAACTGCACGGGTCTGAGAGTTGCAAGGGCTTCACAGGGAGTGGGAACTTTGACTTTTGC[G>A]CCTTCAATGCCCCCGAGCTGGCCCCTGTGATTATGTCCCCATCCATAAATTGTTCCACTG-3'
Protein context (NP_004658.3, residues 3960-3980): NHRGQLGGIE[Gly3970=]AKVKVPTPCE